The following is an entry in ClinVar:

NM_000161.3(GCH1):c.-5G>C

Genes: GCH1 (GTP cyclohydrolase 1; minus strand), LOC130055692 (ATAC-STARR-seq lymphoblastoid silent region 5776; plus strand). Cytogenetic location: 14q22.2.
Variant type: single nucleotide variant.
Coding change: c.-5G>C on transcript NM_000161.3 (MANE Select); 5 bases upstream of the start codon, G replaced by C.
Molecular consequence: 5 prime UTR variant.
Genome position (GRCh38, 1-based): chr14:54,902,668, C>G on the plus strand (G>C on the coding strand, the complement: GCH1 is on the minus strand). VCF-style: chr14-54902668-C-G. GRCh37 (hg19) VCF-style: chr14-55369386-C-G.
Other names: c.-5G>C (NM_001024024.2, NM_001024070.2, NM_001024071.2).
Identifiers: ClinVar variation 313399 (VCV000313399.7), dbSNP rs886050550, ClinGen allele CA10640328.

ClinVar aggregate classification (germline): Uncertain significance. Review status: criteria provided, multiple submitters, no conflicts (2 of 4 stars). 3 submissions from 2 submitters: Uncertain significance (3). Last evaluated 2026-05-22.

Conditions:
GTP cyclohydrolase I deficiency. Identifiers: MedGen C0268467, MONDO:0100184.
Dystonia 5 (DRD). Also called: GTP Cyclohydrolase 1-Deficient Dopa-Responsive Dystonia; DYT-GCH1; Dystonia, DOPA-responsive, with or without hyperphenylalaninemia; DYSTONIA, PROGRESSIVE, WITH DIURNAL VARIATION; DYSTONIA-PARKINSONISM WITH DIURNAL FLUCTUATION. Identifiers: Orphanet 98808, MedGen C1851920, MONDO:0007495, OMIM 128230.

Allele frequency attached by ClinVar (database versions not stated): gnomAD 0.00001.
gnomAD v4.1: 30 of 1,442,634 alleles (0.0021%); highest among the groups gnomAD compares: Non-Finnish European, 0.0027%; no homozygotes.

Submissions (3):

GeneDx
Classification: Uncertain significance. Last evaluated: 2026-05-22. Review status: criteria provided, single submitter. Criteria: GeneDx Variant Classification Process June 2021. Collection method: clinical testing. Allele origin: germline.
Comment: Nucleotide is not conserved across species and the substitution has no predicted effect on splicing; Has not been previously published as pathogenic or benign to our knowledge; Located in a regulatory region; in the absence of functional studies, the actual effect of this sequence change is unknown

Illumina Laboratory Services, Illumina
Classification: Uncertain significance for Dystonia 5. Last evaluated: 2018-01-12. Review status: criteria provided, single submitter. Criteria: ICSL Variant Classification Criteria 13 December 2019. Collection method: clinical testing. Allele origin: germline.

Illumina Laboratory Services, Illumina
Classification: Uncertain significance for GTP cyclohydrolase I deficiency with hyperphenylalaninemia. Last evaluated: 2018-01-12. Review status: criteria provided, single submitter. Criteria: ICSL Variant Classification Criteria 13 December 2019. Collection method: clinical testing. Allele origin: germline.